The following is an entry in ClinVar:

NM_001347721.2(DYRK1A):c.1132C>T (p.Gln378Ter)

Gene: DYRK1A (dual specificity tyrosine phosphorylation regulated kinase 1A; plus strand). Cytogenetic location: 21q22.13.
Variant type: single nucleotide variant.
Coding change: c.1132C>T on transcript NM_001347721.2 (MANE Select); coding-DNA position 1132, C replaced by T.
Protein change: p.Gln378Ter; replaces glutamine 378 with a stop codon.
Molecular consequence: nonsense.
Genome position (GRCh38, 1-based): chr21:37,496,178, C>T. VCF-style: chr21-37496178-C-T. GRCh37 (hg19) VCF-style: chr21-38868480-C-T.
Other names: c.1132C>T, p.Gln378Ter (NM_001347722.2, NM_130436.2); c.1045C>T, p.Gln349Ter (NM_001347723.2); c.1159C>T, p.Gln387Ter (NM_001396.5, NM_101395.2, NM_130438.2); short protein forms Q349*, Q378*, Q387*.
Identifiers: ClinVar variation 987458 (VCV000987458.10), dbSNP rs1555987107, ClinGen allele CA409936911.

ClinVar aggregate classification (germline): Pathogenic. Review status: criteria provided, multiple submitters, no conflicts (2 of 4 stars). 2 submissions from 2 submitters: Pathogenic (2). Last evaluated 2020-10-23.

Conditions:
DYRK1A-related intellectual disability syndrome (MRD7). Also called: DYRK1A Syndrome; Intellectual developmental disorder, autosomal dominant 7. Identifiers: Orphanet 464306, MedGen C5568143, MONDO:0013578, OMIM 614104.

Submissions (2):

Institute of Medical Genetics and Applied Genomics, University Hospital Tübingen
Classification: Pathogenic. Last evaluated: 2020-10-23. Review status: criteria provided, single submitter. Criteria: ACMG Guidelines, 2015. Collection method: clinical testing. Allele origin: germline. Inheritance: Unknown mechanism. Affected: yes.

Labcorp Genetics (formerly Invitae), Labcorp
Classification: Pathogenic for DYRK1A-related intellectual disability syndrome. Last evaluated: 2020-02-14. Review status: criteria provided, single submitter. Criteria: Invitae Variant Classification Sherloc (09022015). Collection method: clinical testing. Allele origin: germline.
Comment: For these reasons, this variant has been classified as Pathogenic. Loss-of-function variants in DYRK1A are known to be pathogenic (PMID: 25944381). This variant has not been reported in the literature in individuals with DYRK1A-related conditions. This variant is not present in population databases (ExAC no frequency). This sequence change creates a premature translational stop signal (p.Gln387*) in the DYRK1A gene. It is expected to result in an absent or disrupted protein product.

Literature cited by the submitters: PubMed 25944381 (cited by Labcorp Genetics (formerly Invitae), Labcorp).